The following is an entry in ClinVar:

ClinVar aggregate classification (germline): Uncertain significance. Review status: criteria provided, multiple submitters, no conflicts (2 of 4 stars). 2 submissions from 2 submitters: Uncertain significance (2). Last evaluated 2025-11-08.

Conditions:
Inborn genetic diseases. Identifiers: MedGen C0950123, MeSH D030342.

Allele frequency attached by ClinVar (database versions not stated): ExAC 0.00001.
gnomAD v4.1: 52 of 1,613,890 alleles (0.0032%); highest among the groups gnomAD compares: Non-Finnish European, 0.0042%; no homozygotes.

Submissions (2):

Ambry Genetics
Classification: Uncertain significance for Inborn genetic diseases. Last evaluated: 2025-11-08. Review status: criteria provided, single submitter. Criteria: Ambry Variant Classification Scheme 2023. Collection method: clinical testing. Allele origin: germline.

Labcorp Genetics (formerly Invitae), Labcorp
Classification: Uncertain significance. Last evaluated: 2022-05-07. Review status: criteria provided, single submitter. Criteria: Invitae Variant Classification Sherloc (09022015). Collection method: clinical testing. Allele origin: germline.
Comment: In summary, the available evidence is currently insufficient to determine the role of this variant in disease. Therefore, it has been classified as a Variant of Uncertain Significance. Algorithms developed to predict the effect of missense changes on protein structure and function (SIFT, PolyPhen-2, Align-GVGD) all suggest that this variant is likely to be tolerated. This variant has not been reported in the literature in individuals affected with TBXAS1-related conditions. This variant is present in population databases (rs758831195, gnomAD 0.002%). This sequence change replaces valine, which is neutral and non-polar, with methionine, which is neutral and non-polar, at codon 12 of the TBXAS1 protein (p.Val12Met).

NM_001061.7(TBXAS1):c.31G>A (p.Val11Met)

Genes: TBXAS1 (thromboxane A synthase 1; plus strand), LOC126860199 (CDK7 strongly-dependent group 2 enhancer GRCh37_chr7:139528736-139529935; plus strand). Cytogenetic location: 7q34.
Variant type: single nucleotide variant.
Coding change: c.31G>A on transcript NM_001061.7 (MANE Select); coding-DNA position 31, G replaced by A.
Protein change: p.Val11Met; replaces valine 11 with methionine.
Molecular consequence: missense variant. On other transcripts: 5 prime UTR variant (2), intron variant (1).
Genome position (GRCh38, 1-based): chr7:139,829,421, G>A. VCF-style: chr7-139829421-G-A. GRCh37 (hg19) VCF-style: chr7-139529220-G-A.
Other names: c.31G>A, p.Val11Met (NM_001130966.5, NM_001166253.4, NM_001366538.2 and 1 more transcripts); c.-56G>A (NM_001314028.4, NM_001366537.3); c.-113+41995G>A (NM_001166254.4); c.34G>A (NM_001061.4); short protein forms V12M, V11M.
Identifiers: ClinVar variation 2187130 (VCV002187130.5), dbSNP rs758831195, ClinGen allele CA4511439.